The following is an entry in ClinVar:

ClinVar aggregate classification (germline): Uncertain significance (1 of 4 stars; one submission).

Conditions:
Inborn genetic diseases. Identifiers: MedGen C0950123, MeSH D030342.

Allele frequency attached by ClinVar (database versions not stated): gnomAD exomes below 0.00001.
gnomAD v4.1: 1 of 1,613,980 alleles (0.000062%); no homozygotes.

Submission:

Ambry Genetics
Classification: Uncertain significance for Inborn genetic diseases. Last evaluated: 2021-08-11. Review status: criteria provided, single submitter. Criteria: Ambry Variant Classification Scheme 2023. Collection method: clinical testing. Allele origin: germline.
Comment: The p.I777T variant (also known as c.2330T>C), located in coding exon 19 of the LRRK2 gene, results from a T to C substitution at nucleotide position 2330. The isoleucine at codon 777 is replaced by threonine, an amino acid with similar properties. This amino acid position is conserved. In addition, the in silico prediction for this alteration is inconclusive. Since supporting evidence is limited at this time, the clinical significance of this alteration remains unclear.

NM_198578.4(LRRK2):c.2330T>C (p.Ile777Thr)

Gene: LRRK2 (leucine rich repeat kinase 2; plus strand). Cytogenetic location: 12q12.
Variant type: single nucleotide variant.
Coding change: c.2330T>C on transcript NM_198578.4 (MANE Select); coding-DNA position 2330, T replaced by C.
Protein change: p.Ile777Thr; replaces isoleucine 777 with threonine.
Molecular consequence: missense variant.
Genome position (GRCh38, 1-based): chr12:40,283,963, T>C. VCF-style: chr12-40283963-T-C. GRCh37 (hg19) VCF-style: chr12-40677765-T-C.
Other names: short protein forms I777T.
Identifiers: ClinVar variation 1789722 (VCV001789722.2), dbSNP rs2499664319, ClinGen allele CA384406562.
Genomic context (GRCh38, chr12:40,283,963, plus strand): 5'-TGGTGGAACTCTTACTGAATAGTGGATCTCGTGAACAAGATGTACGAAAAGCGTTGACGA[T>C]AAGCATTGGGAAAGGTGACAGCCAGATCATCAGCTTGCTCTTAAGGAGGCTGGCCCTGGA-3'
Protein context (NP_940980.4, residues 767-787): REQDVRKALT[Ile777Thr]SIGKGDSQII